The following is an entry in ClinVar:

NM_138713.4(NFAT5):c.2209A>G (p.Arg737Gly)

Gene: NFAT5 (nuclear factor of activated T cells 5; plus strand). Cytogenetic location: 16q22.1.
Variant type: single nucleotide variant.
Coding change: c.2209A>G on transcript NM_138713.4 (MANE Select); coding-DNA position 2209, A replaced by G.
Protein change: p.Arg737Gly; replaces arginine 737 with glycine.
Molecular consequence: missense variant.
Genome position (GRCh38, 1-based): chr16:69,692,034, A>G. VCF-style: chr16-69692034-A-G. GRCh37 (hg19) VCF-style: chr16-69725937-A-G.
Other names: c.2206A>G, p.Arg736Gly (NM_001113178.3); c.1534A>G, p.Arg512Gly (NM_001367709.1); c.2155A>G, p.Arg719Gly (NM_006599.4); c.1927A>G, p.Arg643Gly (NM_138714.4, NM_173214.3, NM_173215.3); short protein forms R643G, R736G, R512G, R737G, R719G.
Identifiers: ClinVar variation 3405081 (VCV003405081.3).

ClinVar aggregate classification (germline): Uncertain significance. Review status: criteria provided, multiple submitters, no conflicts (2 of 4 stars). 2 submissions from 2 submitters: Uncertain significance (2). Last evaluated 2024-12-09.

Conditions:
Immunodeficiency. Identifiers: MedGen C0021051, MONDO:0021094, HP:0002721.

gnomAD v4.1: 7 of 1,614,218 alleles (0.00043%); highest among the groups gnomAD compares: Admixed American, 0.012%; no homozygotes.

Submissions (2):

Ambry Genetics
Classification: Uncertain significance. Last evaluated: 2024-12-09. Review status: criteria provided, single submitter. Criteria: Ambry Variant Classification Scheme 2023. Collection method: clinical testing. Allele origin: germline.

Labcorp Genetics (formerly Invitae), Labcorp
Classification: Uncertain significance for Immunodeficiency. Last evaluated: 2024-11-27. Review status: criteria provided, single submitter. Criteria: Invitae Variant Classification Sherloc (09022015). Collection method: clinical testing. Allele origin: germline.
Comment: This sequence change replaces arginine, which is basic and polar, with glycine, which is neutral and non-polar, at codon 643 of the NFAT5 protein (p.Arg643Gly). This variant is present in population databases (rs777988977, gnomAD 0.02%). This variant has not been reported in the literature in individuals affected with NFAT5-related conditions. An algorithm developed to predict the effect of missense changes on protein structure and function (PolyPhen-2) suggests that this variant is likely to be disruptive. In summary, the available evidence is currently insufficient to determine the role of this variant in disease. Therefore, it has been classified as a Variant of Uncertain Significance.